The following is an entry in ClinVar:

ClinVar aggregate classification (germline): Pathogenic (1 of 4 stars; one submission).

Submission:

Labcorp Genetics (formerly Invitae), Labcorp
Classification: Pathogenic. Last evaluated: 2019-07-16. Review status: criteria provided, single submitter. Criteria: Invitae Variant Classification Sherloc (09022015). Collection method: clinical testing. Allele origin: germline.
Comment: For these reasons, this variant has been classified as Pathogenic. Loss-of-function variants in EYS are known to be pathogenic (PMID: 18836446, 20333770). This variant has not been reported in the literature in individuals with EYS-related conditions. This variant is not present in population databases (ExAC no frequency). This sequence change creates a premature translational stop signal (p.Phe2126*) in the EYS gene. It is expected to result in an absent or disrupted protein product.

Literature cited by the submitters: PubMed 18836446; PubMed 20333770.

NM_001142800.2(EYS):c.6369_6376dup (p.Phe2126Ter)

Gene: EYS (EGF-like photoreceptor maintenance factor; minus strand). Cytogenetic location: 6q12.
Variant type: Duplication.
Coding change: c.6369_6376dup on transcript NM_001142800.2 (MANE Select); coding-DNA positions 6369 to 6376, 8 bases duplicated (AGTGTCAT; older notation c.6369_6376dupAGTGTCAT).
Protein change: p.Phe2126Ter; replaces phenylalanine 2126 with a stop codon.
Molecular consequence: nonsense.
Genome position (GRCh38, 1-based): chr6:64,230,640-64,230,647, ATGACACT duplicated on the plus strand (AGTGTCAT on the coding strand, the reverse complement: EYS is on the minus strand); duplicating any 8 consecutive bases within chr6:64,230,640-64,230,650 gives the same sequence; the c. name uses the placement nearest the transcript's 3' end. VCF-style (leftmost placement, unchanged base first): chr6-64230639-A-AATGACACT. GRCh37 (hg19) VCF-style: chr6-64940532-A-AATGACACT.
Other names: c.6369_6376dup, p.Phe2126Ter (NM_001292009.2); short protein forms F2126*.
Identifiers: ClinVar variation 955657 (VCV000955657.7), dbSNP rs1766397905, ClinGen allele CA1139659651.